The following is an entry in ClinVar:

NM_013275.6(ANKRD11):c.5114C>A (p.Thr1705Asn)

Gene: ANKRD11 (ankyrin repeat domain 11; minus strand). Cytogenetic location: 16q24.3.
Variant type: single nucleotide variant.
Coding change: c.5114C>A on transcript NM_013275.6 (MANE Select); coding-DNA position 5114, C replaced by A.
Protein change: p.Thr1705Asn; replaces threonine 1705 with asparagine.
Molecular consequence: missense variant.
Genome position (GRCh38, 1-based): chr16:89,281,428, G>T on the plus strand (C>A on the coding strand, the complement: ANKRD11 is on the minus strand). VCF-style: chr16-89281428-G-T. GRCh37 (hg19) VCF-style: chr16-89347836-G-T.
Other names: c.5114C>A, p.Thr1705Asn (NM_001256182.2, NM_001256183.2); short protein forms T1705N.
Identifiers: ClinVar variation 3637138 (VCV003637138.3).

ClinVar aggregate classification (germline): Uncertain significance. Review status: criteria provided, single submitter (1 of 4 stars). 2 submissions from 2 submitters: Uncertain significance (1). 1 of the submissions does not count toward it. Last evaluated 2024-05-29.

Conditions:
KBG syndrome (KBGS). Also called: ANKRD11-Related KBG Syndrome. Identifiers: Orphanet 2332, MedGen C0220687, MONDO:0007846, OMIM 148050.
Isolated dental anomalies.

Submissions (2):

Labcorp Genetics (formerly Invitae), Labcorp
Classification: Uncertain significance for KBG syndrome. Last evaluated: 2024-05-29. Review status: criteria provided, single submitter. Criteria: Invitae Variant Classification Sherloc (09022015). Collection method: clinical testing. Allele origin: germline.
Comment: This sequence change replaces threonine, which is neutral and polar, with asparagine, which is neutral and polar, at codon 1705 of the ANKRD11 protein (p.Thr1705Asn). This variant is not present in population databases (gnomAD no frequency). This variant has not been reported in the literature in individuals affected with ANKRD11-related conditions. Advanced modeling of protein sequence and biophysical properties (such as structural, functional, and spatial information, amino acid conservation, physicochemical variation, residue mobility, and thermodynamic stability) performed at Invitae indicates that this missense variant is not expected to disrupt ANKRD11 protein function with a negative predictive value of 95%. In summary, the available evidence is currently insufficient to determine the role of this variant in disease. Therefore, it has been classified as a Variant of Uncertain Significance.

Center of Excellence in Medical Genetics Research, Chiang Mai University
Classification: Uncertain significance for Isolated dental anomalies. Last evaluated: 2026-08-18. Review status: no assertion criteria provided. Collection method: research. Allele origin: germline. Affected: yes. Observed: 1 variant allele. Not counted in ClinVar's aggregate classification.
Comment: NM_013275.6:c.5114C>A is a missense variant in ANKRD11. The in silico mutation prediction results were MutationTaster (Disease Causing; 0.999950630023564), PolyPhen-2 (Probably Damaging; 0.993), SIFT (Uncertain; 0.022), CADD (22.7), and DANN (Benign Supporting; 0.9684). It is a de novo variant that is absent from the gnomAD population database (PM2) and the T-Rex database (Thai exomes: 0/2184). In summary, this variant meets the criteria to be classified as a variant of uncertain significance (VUS) for isolated dental anomalies based on the ACMG/AMP criteria applied.